The following is an entry in ClinVar:

NM_000489.6(ATRX):c.796T>C (p.Tyr266His)

Gene: ATRX (ATRX chromatin remodeler; minus strand). Cytogenetic location: Xq21.1.
Variant type: single nucleotide variant.
Coding change: c.796T>C on transcript NM_000489.6 (MANE Select); coding-DNA position 796, T replaced by C.
Protein change: p.Tyr266His; replaces tyrosine 266 with histidine.
Molecular consequence: missense variant.
Genome position (GRCh38, 1-based): chrX:77,684,460, A>G on the plus strand (T>C on the coding strand, the complement: ATRX is on the minus strand). VCF-style: chrX-77684460-A-G. GRCh37 (hg19) VCF-style: chrX-76939952-A-G.
Other names: c.682T>C, p.Tyr228His (NM_138270.5); short protein forms Y228H, Y266H.
Identifiers: ClinVar variation 975982 (VCV000975982.8), dbSNP rs2071441898, ClinGen allele CA413720633.

ClinVar aggregate classification (germline): Conflicting classifications of pathogenicity. Review status: criteria provided, conflicting classifications (1 of 4 stars). 2 submissions from 2 submitters: Likely pathogenic (1); Uncertain significance (1). Last evaluated 2026-09-01.

Conditions:
Intellectual disability-hypotonic facies syndrome, X-linked, 1 (MRXHF1). Also called: XLMR-HYPOTONIC FACIES SYNDROME; CHUDLEY-LOWRY SYNDROME; Chudley syndrome 1; Chudley-Lowry-Hoar syndrome; Carpenter-Waziri syndrome; X-linked intellectual disability-hypotonic face syndrome. Identifiers: Orphanet 73220, Orphanet 93970, Orphanet 93971, Orphanet 93972, Orphanet 93973, Orphanet 93974, Orphanet 93975, MedGen C4759781, MONDO:0010663, OMIM 309580.

Submissions (2):

CeGaT Center for Human Genetics Tuebingen
Classification: Likely pathogenic. Last evaluated: 2026-09-01. Review status: criteria provided, single submitter. Criteria: CeGaT Center For Human Genetics Tuebingen Variant Classification Criteria Version 2. Collection method: clinical testing. Allele origin: germline. Affected: yes. Observed: 3 variant alleles.
Comment: ATRX: PM2, PM5, PP2, PP3

Institute of Human Genetics, University of Leipzig Medical Center
Classification: Uncertain significance for Intellectual disability-hypotonic facies syndrome, X-linked, 1. Last evaluated: 2019-12-18. Review status: criteria provided, single submitter. Criteria: ACMG Guidelines, 2015. Collection method: clinical testing. Allele origin: germline. Affected: yes. Observed: 1 variant allele.